The following is an entry in ClinVar:

ClinVar aggregate classification (germline): Benign/Likely benign. Review status: criteria provided, multiple submitters, no conflicts (2 of 4 stars). 9 submissions from 9 submitters: Benign (4); Likely benign (4). 1 of the submissions does not count toward it. Last evaluated 2026-04-14.

Conditions:
Familial intrahepatic cholestasis. Identifiers: Orphanet 284385, MedGen CN296401, MONDO:0017290.
ABCB11-related disorder. Also called: ABCB11-related condition.
Progressive familial intrahepatic cholestasis type 2. Identifiers: Orphanet 79304, MedGen C3489789, MONDO:0011156, OMIM 601847.

Allele frequency attached by ClinVar (database versions not stated): gnomAD 0.00029 and 0.00048; gnomAD exomes 0.00041 and 0.00114; TOPMed 0.00068; ExAC 0.00130; 1000 Genomes Project 30x 0.00250; 1000 Genomes Project 0.00260.
gnomAD v4.1: 659 of 1,605,336 alleles (0.041%); highest among the groups gnomAD compares: East Asian, 1.1%; 5 homozygotes.

Submissions (9):

Genomenon, Inc
Classification: Benign for Familial intrahepatic cholestasis. Last evaluated: 2026-04-14. Review status: criteria provided, single submitter. Criteria: Genomenon Sequence Variant Interpretation Standards - Updated. Collection method: curation. Allele origin: germline. Affected: no.
Comment: ABCB11 p.Ala865Val (c.2594C>T) is a missense variant that changes the amino acid at residue 865 from Alanine to Valine. This variant is present at high allele frequency in population databases. In conclusion, we classify ABCB11 p.Ala865Val (c.2594C>T) as a benign variant.

Labcorp Genetics (formerly Invitae), Labcorp
Classification: Benign. Last evaluated: 2026-02-04. Review status: criteria provided, single submitter. Criteria: Invitae Variant Classification Sherloc (09022015). Collection method: clinical testing. Allele origin: germline.

Mayo Clinic Laboratories, Mayo Clinic
Classification: Likely benign. Last evaluated: 2025-08-14. Review status: criteria provided, single submitter. Criteria: ACMG Guidelines, 2015. Collection method: clinical testing. Allele origin: germline. Observed: 1 variant allele.
Comment: BA1

CeGaT Center for Human Genetics Tuebingen
Classification: Likely benign. Last evaluated: 2025-02-01. Review status: criteria provided, single submitter. Criteria: CeGaT Center For Human Genetics Tuebingen Variant Classification Criteria Version 2. Collection method: clinical testing. Allele origin: germline. Affected: yes. Observed: 1 variant allele.
Comment: ABCB11: BS1

GeneDx
Classification: Likely benign. Last evaluated: 2017-09-25. Review status: criteria provided, single submitter. Criteria: GeneDx Variant Classification (06012015). Collection method: clinical testing. Allele origin: germline. Affected: yes.
Comment: This variant is considered likely benign or benign based on one or more of the following criteria: it is a conservative change, it occurs at a poorly conserved position in the protein, it is predicted to be benign by multiple in silico algorithms, and/or has population frequency not consistent with disease.

Illumina Laboratory Services, Illumina
Classification: Benign for Progressive familial intrahepatic cholestasis type 2. Last evaluated: 2017-04-27. Review status: criteria provided, single submitter. Criteria: ICSL Variant Classification Criteria 13 December 2019. Collection method: clinical testing. Allele origin: germline.
Comment: This variant was observed as part of a predisposition screen in an ostensibly healthy population. A literature search was performed for the gene, cDNA change, and amino acid change (where applicable). Publications were found based on this search. The evidence from the literature, in combination with allele frequency data from public databases where available, was sufficient to rule this variant out of causing disease. Therefore, this variant is classified as benign.

Center for Pediatric Genomic Medicine, Children's Mercy Hospital and Clinics
Classification: Likely benign. Last evaluated: 2016-05-04. Review status: criteria provided, single submitter. Criteria: ACMG Guidelines, 2015. Collection method: clinical testing. Allele origin: germline.
ClinVar note: Converted during submission from Likely Benign to Likely benign.

Eurofins Ntd Llc (ga)
Classification: Benign. Last evaluated: 2015-08-25. Review status: criteria provided, single submitter. Criteria: EGL Classification Definitions 2015. Collection method: clinical testing. Allele origin: germline. Observed: 1 variant allele, 1 heterozygote.

PreventionGenetics, part of Exact Sciences
Classification: Benign for ABCB11-related condition. Last evaluated: 2019-03-14. Review status: no assertion criteria provided. Collection method: clinical testing. Allele origin: germline. Not counted in ClinVar's aggregate classification.
Comment: This variant is classified as benign based on ACMG/AMP sequence variant interpretation guidelines (Richards et al. 2015 PMID: 25741868, with internal and published modifications).

Literature cited by the submitters: PubMed 16763017 (cited by Mayo Clinic Laboratories, Mayo Clinic and Illumina Laboratory Services, Illumina); PubMed 18692205 (cited by Mayo Clinic Laboratories, Mayo Clinic and Illumina Laboratory Services, Illumina); PubMed 19571440 (cited by Mayo Clinic Laboratories, Mayo Clinic and Illumina Laboratory Services, Illumina); PubMed 24969679 (cited by Mayo Clinic Laboratories, Mayo Clinic and Illumina Laboratory Services, Illumina); PubMed 28733223 (cited by Mayo Clinic Laboratories, Mayo Clinic); PubMed 31091858 (cited by Mayo Clinic Laboratories, Mayo Clinic); PubMed 32808743 (cited by Mayo Clinic Laboratories, Mayo Clinic); PubMed 23279303 (cited by Eurofins Ntd Llc (ga)).

NM_003742.4(ABCB11):c.2594C>T (p.Ala865Val)

Gene: ABCB11 (ATP binding cassette subfamily B member 11; minus strand). Cytogenetic location: 2q31.1.
Variant type: single nucleotide variant.
Coding change: c.2594C>T on transcript NM_003742.4 (MANE Select); coding-DNA position 2594, C replaced by T.
Protein change: p.Ala865Val; replaces alanine 865 with valine.
Molecular consequence: missense variant.
Genome position (GRCh38, 1-based): chr2:168,944,621, G>A on the plus strand (C>T on the coding strand, the complement: ABCB11 is on the minus strand). VCF-style: chr2-168944621-G-A. GRCh37 (hg19) VCF-style: chr2-169801131-G-A.
Other names: c.2594C>T, p.Ala865Val (LRG_1199t1); short protein forms A865V.
Identifiers: ClinVar variation 235398 (VCV000235398.38), dbSNP rs118109635, ClinGen allele CA1951246.
Genomic context (GRCh38, chr2:168,944,621, plus strand): 5'-GCCAATGCAGTTAATATACTTCTATTTCCCCTCCCATAGCTCACCCCTTGAACTTGGGAA[G>A]CATCTGTAGCAAGTCTTGTTGTCAATGCTCCAGGGCTATTTCTGAGGTCATCAAACCAGG-3'
Protein context (NP_003733.2, residues 855-875): GALTTRLATD[Ala865Val]SQVQGAAGSQ